The following is an entry in ClinVar:

NM_032782.5(HAVCR2):c.776G>A (p.Arg259His)

Gene: HAVCR2 (hepatitis A virus cellular receptor 2; minus strand). Cytogenetic location: 5q33.3.
Variant type: single nucleotide variant.
Coding change: c.776G>A on transcript NM_032782.5 (MANE Select); coding-DNA position 776, G replaced by A.
Protein change: p.Arg259His; replaces arginine 259 with histidine.
Molecular consequence: missense variant.
Genome position (GRCh38, 1-based): chr5:157,087,232, C>T on the plus strand (G>A on the coding strand, the complement: HAVCR2 is on the minus strand). VCF-style: chr5-157087232-C-T. GRCh37 (hg19) VCF-style: chr5-156514243-C-T.
Other names: p.Arg259His; short protein forms R259H.
Identifiers: ClinVar variation 1327999 (VCV001327999.29), dbSNP rs138681649, ClinGen allele CA3531779.

ClinVar aggregate classification (germline): Conflicting classifications of pathogenicity. Review status: criteria provided, conflicting classifications (1 of 4 stars). 6 submissions from 6 submitters: Uncertain significance (1); Likely benign (3). 2 of the submissions do not count toward it. Last evaluated 2026-03-01.

Allele frequency attached by ClinVar (database versions not stated): 1000 Genomes Project 30x 0.00016; 1000 Genomes Project 0.00020; ESP Exome Variant Server 0.00054; gnomAD 0.00060 and 0.00063; gnomAD exomes 0.00078; ExAC 0.00090.
gnomAD v4.1: 1,408 of 1,613,762 alleles (0.087%); highest among the groups gnomAD compares: Middle Eastern, 0.23%; no homozygotes.

Submissions (6):

CeGaT Center for Human Genetics Tuebingen
Classification: Likely benign. Last evaluated: 2026-03-01. Review status: criteria provided, single submitter. Criteria: CeGaT Center For Human Genetics Tuebingen Variant Classification Criteria Version 2. Collection method: clinical testing. Allele origin: germline. Affected: yes. Observed: 2 variant alleles.
Comment: HAVCR2: BP4

Blueprint Genetics
Classification: Likely benign. Last evaluated: 2024-11-26. Review status: criteria provided, single submitter. Criteria: ACMG Guidelines, 2015. Collection method: clinical testing. Allele origin: germline.

Mayo Clinic Laboratories, Mayo Clinic
Classification: Uncertain significance. Last evaluated: 2023-10-04. Review status: criteria provided, single submitter. Criteria: ACMG Guidelines, 2015. Collection method: clinical testing. Allele origin: germline. Observed: 1 variant allele.
Comment: BP4

Breakthrough Genomics
Classification: Likely benign. Review status: criteria provided, single submitter. Criteria: ACMG Guidelines, 2015. Collection method: not provided. Allele origin: germline. Inheritance: Autosomal recessive inheritance. Affected: yes.

Clinical Genetics DNA and cytogenetics Diagnostics Lab, Erasmus MC, Erasmus Medical Center
Classification: Likely benign. Review status: no assertion criteria provided. Collection method: clinical testing. Allele origin: germline. Affected: yes. Study: VKGL Data-share Consensus. Not counted in ClinVar's aggregate classification.

Genome Diagnostics Laboratory, University Medical Center Utrecht
Classification: Likely benign. Review status: no assertion criteria provided. Collection method: clinical testing. Allele origin: germline. Affected: yes. Study: VKGL Data-share Consensus. Not counted in ClinVar's aggregate classification.